The following is an entry in ClinVar:

ClinVar aggregate classification (germline): Uncertain significance (1 of 4 stars; one submission).

Conditions:
LAMB2-related infantile-onset nephrotic syndrome. Also called: NEPHROTIC SYNDROME, TYPE 5, WITHOUT OCULAR ABNORMALITIES; NEPHROTIC SYNDROME, TYPE 5, WITH OCULAR ABNORMALITIES; Nephrotic Syndrome, type 5. Identifiers: Orphanet 306507, MedGen C3280113, MONDO:0013621, OMIM 614199.
Pierson syndrome. Also called: MICROCORIA-CONGENITAL NEPHROTIC SYNDROME. Identifiers: Orphanet 2670, MedGen C1836876, MONDO:0012184, OMIM 609049.

Allele frequency attached by ClinVar (database versions not stated): gnomAD 0.00002 and 0.00003; TOPMed 0.00002; ExAC 0.00004; gnomAD exomes 0.00004; 1000 Genomes Project 30x 0.00016; 1000 Genomes Project 0.00020.
gnomAD v4.1: 78 of 1,614,226 alleles (0.0048%); highest among the groups gnomAD compares: Non-Finnish European, 0.0064%; no homozygotes.

Submission:

Labcorp Genetics (formerly Invitae), Labcorp
Classification: Uncertain significance for LAMB2-related infantile-onset nephrotic syndrome; Pierson syndrome. Last evaluated: 2024-08-21. Review status: criteria provided, single submitter. Criteria: Invitae Variant Classification Sherloc (09022015). Collection method: clinical testing. Allele origin: germline.
Comment: This sequence change replaces arginine, which is basic and polar, with glutamine, which is neutral and polar, at codon 390 of the LAMB2 protein (p.Arg390Gln). This variant is present in population databases (rs151276385, gnomAD 0.009%). This variant has not been reported in the literature in individuals affected with LAMB2-related conditions. ClinVar contains an entry for this variant (Variation ID: 1002770). An algorithm developed to predict the effect of missense changes on protein structure and function (PolyPhen-2) suggests that this variant is likely to be tolerated. In summary, the available evidence is currently insufficient to determine the role of this variant in disease. Therefore, it has been classified as a Variant of Uncertain Significance.

NM_002292.4(LAMB2):c.1169G>A (p.Arg390Gln)

Gene: LAMB2 (laminin subunit beta 2; minus strand). Cytogenetic location: 3p21.31.
Variant type: single nucleotide variant.
Coding change: c.1169G>A on transcript NM_002292.4 (MANE Select); coding-DNA position 1169, G replaced by A.
Protein change: p.Arg390Gln; replaces arginine 390 with glutamine.
Molecular consequence: missense variant.
Genome position (GRCh38, 1-based): chr3:49,130,287, C>T on the plus strand (G>A on the coding strand, the complement: LAMB2 is on the minus strand). VCF-style: chr3-49130287-C-T. GRCh37 (hg19) VCF-style: chr3-49167720-C-T.
Other names: short protein forms R390Q.
Identifiers: ClinVar variation 1002770 (VCV001002770.5), dbSNP rs151276385, ClinGen allele CA2394678.